The following is an entry in ClinVar:

NM_032043.3(BRIP1):c.2628T>G (p.Ser876Arg)

Gene: BRIP1 (BRCA1 interacting DNA helicase 1; minus strand). Cytogenetic location: 17q23.2.
Variant type: single nucleotide variant.
Coding change: c.2628T>G on transcript NM_032043.3 (MANE Select); coding-DNA position 2628, T replaced by G.
Protein change: p.Ser876Arg; replaces serine 876 with arginine.
Molecular consequence: missense variant.
Genome position (GRCh38, 1-based): chr17:61,686,113, A>C on the plus strand (T>G on the coding strand, the complement: BRIP1 is on the minus strand). VCF-style: chr17-61686113-A-C. GRCh37 (hg19) VCF-style: chr17-59763474-A-C.
Other names: short protein forms S876R.
Identifiers: ClinVar variation 421096 (VCV000421096.15), dbSNP rs1032574757, ClinGen allele CA16620514.

ClinVar aggregate classification (germline): Uncertain significance. Review status: criteria provided, multiple submitters, no conflicts (2 of 4 stars). 4 submissions from 4 submitters: Uncertain significance (4). Last evaluated 2025-11-10.

Conditions:
Hereditary cancer-predisposing syndrome. Also called: Hereditary neoplastic syndrome; Hereditary Cancer Syndrome; Neoplastic Syndromes, Hereditary; Tumor predisposition. Identifiers: Orphanet 140162, MedGen C0027672, MeSH D009386, MONDO:0015356.
Fanconi anemia complementation group J. Also called: BRIP1-Related Fanconi Anemia. Identifiers: Orphanet 84, MedGen C1836860, MONDO:0012187, OMIM 609054.
Familial cancer of breast. Also called: hereditary breast carcinoma; Hereditary breast cancer; BREAST CANCER, FAMILIAL. Identifiers: Orphanet 227535, MedGen C0346153, MONDO:0016419, OMIM 114480. Disease mechanism: loss of function.

Submissions (4):

Color Diagnostics, LLC DBA Color Health
Classification: Uncertain significance for Hereditary cancer-predisposing syndrome. Last evaluated: 2025-11-10. Review status: criteria provided, single submitter. Criteria: ACMG Guidelines, 2015. Collection method: clinical testing. Allele origin: germline.
Comment: This missense variant replaces serine with arginine at codon 876 of the BRIP1 protein. Computational prediction suggests that this variant may not impact protein structure and function. To our knowledge, functional studies have not been reported for this variant. This variant has not been reported in individuals affected with BRIP1-related disorders in the literature. This variant has been identified in 0/1613982 chromosomes in the general population by the Genome Aggregation Database (gnomAD). The available evidence is insufficient to determine the role of this variant in disease conclusively. Therefore, this variant is classified as a Variant of Uncertain Significance.

Ambry Genetics
Classification: Uncertain significance for Hereditary cancer-predisposing syndrome. Last evaluated: 2025-04-20. Review status: criteria provided, single submitter. Criteria: Ambry Variant Classification Scheme 2023. Collection method: clinical testing. Allele origin: germline.
Comment: The p.S876R variant (also known as c.2628T>G), located in coding exon 18 of the BRIP1 gene, results from a T to G substitution at nucleotide position 2628. The serine at codon 876 is replaced by arginine, an amino acid with dissimilar properties. This amino acid position is well conserved in available vertebrate species. In addition, the in silico prediction for this alteration is inconclusive. Since supporting evidence is limited at this time, the clinical significance of this alteration remains unclear.

Labcorp Genetics (formerly Invitae), Labcorp
Classification: Uncertain significance for Familial cancer of breast; Fanconi anemia complementation group J. Last evaluated: 2022-12-20. Review status: criteria provided, single submitter. Criteria: Invitae Variant Classification Sherloc (09022015). Collection method: clinical testing. Allele origin: germline.
Comment: This sequence change replaces serine, which is neutral and polar, with arginine, which is basic and polar, at codon 876 of the BRIP1 protein (p.Ser876Arg). This variant is not present in population databases (gnomAD no frequency). This variant has not been reported in the literature in individuals affected with BRIP1-related conditions. ClinVar contains an entry for this variant (Variation ID: 421096). Advanced modeling of protein sequence and biophysical properties (such as structural, functional, and spatial information, amino acid conservation, physicochemical variation, residue mobility, and thermodynamic stability) performed at Invitae indicates that this missense variant is not expected to disrupt BRIP1 protein function. In summary, the available evidence is currently insufficient to determine the role of this variant in disease. Therefore, it has been classified as a Variant of Uncertain Significance.

GeneDx
Classification: Uncertain significance. Last evaluated: 2017-01-24. Review status: criteria provided, single submitter. Criteria: GeneDx Variant Classification (06012015). Collection method: clinical testing. Allele origin: germline. Affected: yes.
Comment: This variant is denoted BRIP1 c.2628T>G at the cDNA level, p.Ser876Arg (S876R) at the protein level, and results in the change of a Serine to an Arginine (AGT>AGG). This variant has not, to our knowledge, been published in the literature as pathogenic or benign. BRIP1 Ser876Arg was not observed in approximately 6,500 individuals of European and African American ancestry in the NHLBI Exome Sequencing Project, suggesting it is not a common benign variant in these populations. Since Serine and Arginine differ in some properties, this is considered a semi-conservative amino acid substitution. BRIP1 Ser876Arg occurs at a position that is conserved across species and is not located in a known functional domain (Cantor 2001, Cantor 2011). In silico analyses are inconsistent regarding the effect this variant may have on protein structure and function. Based on currently available evidence, it is unclear whether BRIP1 Ser876Arg is a pathogenic or benign variant. We consider it to be a variant of uncertain significance.